The following is an entry in ClinVar:

ClinVar aggregate classification (germline): Uncertain significance (1 of 4 stars; one submission).

Conditions:
Mitochondrial hypertrophic cardiomyopathy with lactic acidosis due to MTO1 deficiency. Also called: CARDIOMYOPATHY, INFANTILE HYPERTROPHIC MITOCHONDRIAL, AND LACTIC ACIDOSIS; Combined oxidative phosphorylation deficiency 10. Identifiers: Orphanet 314637, MedGen C4749921, MONDO:0013865, OMIM 614702.

gnomAD v4.1: 2 of 1,614,100 alleles (0.00012%); highest among the groups gnomAD compares: Non-Finnish European, 0.00017%; no homozygotes.

Submission:

Labcorp Genetics (formerly Invitae), Labcorp
Classification: Uncertain significance for Mitochondrial hypertrophic cardiomyopathy with lactic acidosis due to MTO1 deficiency. Last evaluated: 2025-06-05. Review status: criteria provided, single submitter. Criteria: Invitae Variant Classification Sherloc (09022015). Collection method: clinical testing. Allele origin: germline.
Comment: This sequence change replaces methionine, which is neutral and non-polar, with valine, which is neutral and non-polar, at codon 90 of the MTO1 protein (p.Met90Val). This variant is not present in population databases (gnomAD no frequency). This variant has not been reported in the literature in individuals affected with MTO1-related conditions. Invitae Evidence Modeling of protein sequence and biophysical properties (such as structural, functional, and spatial information, amino acid conservation, physicochemical variation, residue mobility, and thermodynamic stability) indicates that this missense variant is not expected to disrupt MTO1 protein function with a negative predictive value of 95%. In summary, the available evidence is currently insufficient to determine the role of this variant in disease. Therefore, it has been classified as a Variant of Uncertain Significance.

NM_012123.4(MTO1):c.268A>G (p.Met90Val)

Gene: MTO1 (mitochondrial tRNA translation optimization 1; plus strand). Cytogenetic location: 6q13.
Variant type: single nucleotide variant.
Coding change: c.268A>G on transcript NM_012123.4 (MANE Select); coding-DNA position 268, A replaced by G.
Protein change: p.Met90Val; replaces methionine 90 with valine.
Molecular consequence: missense variant.
Genome position (GRCh38, 1-based): chr6:73,466,259, A>G. VCF-style: chr6-73466259-A-G. GRCh37 (hg19) VCF-style: chr6-74175982-A-G.
Other names: c.268A>G, p.Met90Val (NM_001123226.2, NM_133645.3); short protein forms M90V.
Identifiers: ClinVar variation 4746151 (VCV004746151.1).
Genomic context (GRCh38, chr6:73,466,259, plus strand): 5'-TTATCTTTAGGTCAGATGTCATGTAATCCTTCCTTTGGTGGCATCGGAAAGGGACATTTA[A>G]TGAGGGAAGTAGATGCCTTGGATGGCCTGTGTTCTCGCATCTGTGACCAGTCTGGTGTAC-3'
Protein context (NP_036255.2, residues 80-100): SFGGIGKGHL[Met90Val]REVDALDGLC